The following is an entry in ClinVar:

ClinVar aggregate classification (germline): Likely benign (1 of 4 stars; one submission).

Allele frequency attached by ClinVar (database versions not stated): gnomAD exomes 0.00002; TOPMed 0.00002; ExAC 0.00003; gnomAD 0.00003.
gnomAD v4.1: 31 of 1,576,486 alleles (0.002%); highest among the groups gnomAD compares: Middle Eastern, 0.14%; no homozygotes.

Submission:

CeGaT Center for Human Genetics Tuebingen
Classification: Likely benign. Last evaluated: 2023-05-01. Review status: criteria provided, single submitter. Criteria: CeGaT Center For Human Genetics Tuebingen Variant Classification Criteria Version 2. Collection method: clinical testing. Allele origin: germline. Affected: yes. Observed: 1 variant allele.
Comment: TAOK1: BP4

NM_020791.4(TAOK1):c.1576-3T>C

Gene: TAOK1 (TAO kinase 1; plus strand). Cytogenetic location: 17q11.2.
Variant type: single nucleotide variant.
Coding change: c.1576-3T>C on transcript NM_020791.4 (MANE Select); 3 bases into the intron before coding-DNA position 1576, T replaced by C.
Molecular consequence: intron variant.
Genome position (GRCh38, 1-based): chr17:29,510,861, T>C. VCF-style: chr17-29510861-T-C. GRCh37 (hg19) VCF-style: chr17-27837879-T-C.
Other names: c.1576-3T>C (NM_025142.1).
Identifiers: ClinVar variation 2647613 (VCV002647613.24), dbSNP rs777328070, ClinGen allele CA8474697.